The following is an entry in ClinVar:

NM_001127464.1:c.8510C>G

Gene: ZNF469 (zinc finger protein 469; plus strand).
Variant type: single nucleotide variant.
Identifiers: ClinVar variation 4615502 (VCV004615502.1).

ClinVar aggregate classification (germline): Uncertain significance (1 of 4 stars; one submission).

Conditions:
Cardiovascular phenotype. Identifiers: MedGen CN230736.

Submission:

Ambry Genetics
Classification: Uncertain significance for Cardiovascular phenotype. Last evaluated: 2025-11-15. Review status: criteria provided, single submitter. Criteria: Ambry Variant Classification Scheme 2023. Collection method: clinical testing. Allele origin: germline.
Comment: The p.P2837R variant (also known as c.8510C>G), located in coding exon 2 of the ZNF469 gene, results from a C to G substitution at nucleotide position 8510. The proline at codon 2837 is replaced by arginine, an amino acid with dissimilar properties. This amino acid position is conserved. In addition, this alteration is predicted to be tolerated by in silico analysis. Based on the available evidence, the clinical significance of this variant remains unclear.